The following is an entry in ClinVar:

ClinVar aggregate classification (germline): Likely benign (1 of 4 stars; one submission).

Conditions:
Fabry disease. Also called: ALPHA-GALACTOSIDASE A DEFICIENCY; ANDERSON-FABRY DISEASE; CERAMIDE TRIHEXOSIDASE DEFICIENCY; GLA DEFICIENCY; HEREDITARY DYSTOPIC LIPIDOSIS; Angiokeratoma corporis diffusum. Identifiers: Orphanet 324, MedGen C0002986, MONDO:0010526, OMIM 301500, HP:0001071. Disease mechanism: Fabry disease is due to inactivating mutations in the X-linked GLA gene resulting in deficiency of the enzyme Alpha Galactosidase-A., loss of function.

Submission:

Genomenon, Inc
Classification: Likely benign for Fabry disease. Last evaluated: 2026-09-08. Review status: criteria provided, single submitter. Criteria: Genomenon Sequence Variant Interpretation Standards - Updated. Collection method: curation. Allele origin: germline. Affected: no.
Comment: GLA c.702T>C is a synonymous variant that retains Aspartic acid at codon 234. This variant has been reported in the published literature (PMID:39099234). It is absent or not present at a significant frequency in gnomAD. This variant is not predicted to impact splicing. In conclusion, we classify GLA p.Asp234= (c.702T>C) as a likely benign variant.

Literature cited by the submitters: PubMed 39099234.

NM_000169.3(GLA):c.702T>C (p.Asp234=)

Genes: GLA (galactosidase alpha; minus strand), RPL36A-HNRNPH2 (RPL36A-HNRNPH2 readthrough; plus strand). Cytogenetic location: Xq22.1.
Variant type: single nucleotide variant.
Coding change: c.702T>C on transcript NM_000169.3 (MANE Select); coding-DNA position 702, T replaced by C.
Protein change: p.Asp234=; no amino-acid change (aspartic acid 234 retained).
Molecular consequence: synonymous variant. On other transcripts: non-coding transcript variant (3), intron variant (2).
Genome position (GRCh38, 1-based): chrX:101,398,884, A>G on the plus strand (T>C on the coding strand, the complement: GLA is on the minus strand). VCF-style: chrX-101398884-A-G. GRCh37 (hg19) VCF-style: chrX-100653872-A-G.
Other names: c.825T>C, p.Asp275= (NM_001406747.1); c.702T>C, p.Asp234= (NM_001406748.1); c.300+3427A>G (NM_001199973.2); c.177+7062A>G (NM_001199974.2).
Identifiers: ClinVar variation 4087234 (VCV004087234.2).